The following is an entry in ClinVar:

NM_001356.5(DDX3X):c.1447G>A (p.Ala483Thr)

Gene: DDX3X (DEAD-box helicase 3 X-linked; plus strand). Cytogenetic location: Xp11.4.
Variant type: single nucleotide variant.
Coding change: c.1447G>A on transcript NM_001356.5 (MANE Select); coding-DNA position 1447, G replaced by A.
Protein change: p.Ala483Thr; replaces alanine 483 with threonine.
Molecular consequence: missense variant. On other transcripts: non-coding transcript variant (1).
Genome position (GRCh38, 1-based): chrX:41,346,360, G>A. VCF-style: chrX-41346360-G-A. GRCh37 (hg19) VCF-style: chrX-41205613-G-A.
Other names: c.1447G>A, p.Ala483Thr (NM_001193416.3); c.1399G>A, p.Ala467Thr (NM_001193417.3); c.889G>A, p.Ala297Thr (NM_001363819.1); short protein forms A297T, A467T, A483T.
Identifiers: ClinVar variation 4057249 (VCV004057249.1).
Genomic context (GRCh38, chrX:41,346,360, plus strand): 5'-CATGAAGGATACGCATGTACCAGCATCCATGGAGACCGTTCTCAGAGGGATAGAGAAGAG[G>A]CCCTTCACCAGTTCCGCTCAGGAAAAAGCCCAATTTTAGTGGCTACAGCAGTATGTATAA-3'
Protein context (NP_001347.3, residues 473-493): GDRSQRDREE[Ala483Thr]LHQFRSGKSP

ClinVar aggregate classification (germline): Likely pathogenic (0 of 4 stars; one submission).

Conditions:
Intellectual disability, X-linked 102 (MRXSSB). Also called: Intellectual developmental disorder, X-linked syndromic, Snijders Blok type. Identifiers: Orphanet 457260, MedGen C5393299, MONDO:0010497, OMIM 300958.

Submission:

Center for Human Genetics and Genomic Medicine, Uniklinik Rwth Aachen
Classification: Likely pathogenic for Intellectual disability, X-linked 102. Last evaluated: 2025-07-09. Review status: no assertion criteria provided. Collection method: clinical testing. Allele origin: de novo. Inheritance: Sporadic. Affected: yes. Observed: 1 hemizygote.
Comment: PS2, PM1_sup, PM2_sup, PP3_sup